The following is an entry in ClinVar:

NM_006208.3(ENPP1):c.1000C>G (p.Pro334Ala)

Gene: ENPP1 (ectonucleotide pyrophosphatase/phosphodiesterase 1; plus strand). Cytogenetic location: 6q23.2.
Variant type: single nucleotide variant.
Coding change: c.1000C>G on transcript NM_006208.3 (MANE Select); coding-DNA position 1000, C replaced by G.
Protein change: p.Pro334Ala; replaces proline 334 with alanine.
Molecular consequence: missense variant.
Genome position (GRCh38, 1-based): chr6:131,861,679, C>G. VCF-style: chr6-131861679-C-G. GRCh37 (hg19) VCF-style: chr6-132182819-C-G.
Other names: short protein forms P334A.
Identifiers: ClinVar variation 634992 (VCV000634992.2), dbSNP rs1562523328, ClinGen allele CA365669573.

ClinVar aggregate classification (germline): Likely pathogenic (1 of 4 stars; one submission).

Conditions:
Arterial calcification, generalized, of infancy, 1 (GACI1). Also called: Idiopathic Infantile Arterial Calcification. Identifiers: Orphanet 51608, MedGen C4551985, MONDO:0008817, OMIM 208000.

Submission:

Diagnostics Division, CENTRE FOR DNA FINGERPRINTING AND DIAGNOSTICS
Classification: Likely pathogenic for Arterial calcification, generalized, of infancy, 1. Last evaluated: 2019-01-01. Review status: criteria provided, single submitter. Criteria: ACMG Guidelines, 2015. Collection method: research. Allele origin: germline. Affected: yes. Observed: 1 homozygote.
Comment: Missense variant